The following is an entry in ClinVar:

ClinVar aggregate classification (germline): Uncertain significance (1 of 4 stars; one submission).

Submission:

Labcorp Genetics (formerly Invitae), Labcorp
Classification: Uncertain significance. Last evaluated: 2025-06-02. Review status: criteria provided, single submitter. Criteria: Invitae Variant Classification Sherloc (09022015). Collection method: clinical testing. Allele origin: germline.
Comment: This variant, c.2824_2826del, results in the deletion of 1 amino acid(s) of the AP3D1 protein (p.Glu942del), but otherwise preserves the integrity of the reading frame. This variant is present in population databases (rs764236512, gnomAD 0.009%). This variant has not been reported in the literature in individuals affected with AP3D1-related conditions. ClinVar contains an entry for this variant (Variation ID: 2896724). Experimental studies and prediction algorithms are not available or were not evaluated, and the functional significance of this variant is currently unknown. In summary, the available evidence is currently insufficient to determine the role of this variant in disease. Therefore, it has been classified as a Variant of Uncertain Significance.

NM_001261826.3(AP3D1):c.2824_2826del (p.Glu942del)

Gene: AP3D1 (adaptor related protein complex 3 subunit delta 1; minus strand). Cytogenetic location: 19p13.3.
Variant type: Deletion.
Coding change: c.2824_2826del on transcript NM_001261826.3 (MANE Select); coding-DNA positions 2824 to 2826, 3 bases deleted (GAG; older notation c.2824_2826delGAG).
Protein change: p.Glu942del; deletes glutamic acid 942.
Molecular consequence: inframe deletion.
Genome position (GRCh38, 1-based): chr19:2,111,790-2,111,792, CTC deleted on the plus strand (GAG on the coding strand, the reverse complement: AP3D1 is on the minus strand); deleting any 3 consecutive bases within chr19:2,111,790-2,111,794 gives the same sequence; the c. name uses the placement nearest the transcript's 3' end. VCF-style (leftmost placement, unchanged base first): chr19-2111789-TCTC-T. GRCh37 (hg19) VCF-style: chr19-2111788-TCTC-T.
Other names: c.2788_2790del, p.Glu930del (NM_001374799.1); c.2638_2640del, p.Glu880del (NM_003938.8); short protein forms E880del, E930del, E942del.
Identifiers: ClinVar variation 2896724 (VCV002896724.3), dbSNP rs764236512, ClinGen allele CA9058703.